The following is an entry in ClinVar:

NM_019026.6(TMCO1):c.-69C>T

Gene: TMCO1 (transmembrane and coiled-coil domains 1; minus strand). Cytogenetic location: 1q24.1.
Variant type: single nucleotide variant.
Coding change: c.-69C>T on transcript NM_019026.6 (MANE Select); 69 bases upstream of the start codon, C replaced by T.
Molecular consequence: 5 prime UTR variant. On other transcripts: missense variant (1), non-coding transcript variant (1).
Genome position (GRCh38, 1-based): chr1:165,768,820, G>A on the plus strand (C>T on the coding strand, the complement: TMCO1 is on the minus strand). VCF-style: chr1-165768820-G-A. GRCh37 (hg19) VCF-style: chr1-165738057-G-A.
Other names: c.85C>T, p.Arg29Cys (NM_001256164.1); c.-305C>T (NM_001256165.1); short protein forms R29C.
Identifiers: ClinVar variation 2909354 (VCV002909354.1), dbSNP rs771167297, ClinGen allele CA1221820.
Genomic context (GRCh38, chr1:165,768,820, plus strand): 5'-TTCGTCTCTGCACTCTCACCCGCCAGGGGGAAAGCGCTCTACAGCCAGGAAAAGTGAAGC[G>A]AAAACGGCTTCCGTAGACTCCGCCACCACCGAGTAACAGACCAACTCTGACAGCCCGAAG-3'

ClinVar aggregate classification (germline): Uncertain significance (1 of 4 stars; one submission).

Allele frequency attached by ClinVar (database versions not stated): gnomAD exomes 0.00001; ExAC 0.00003; TOPMed 0.00003.
gnomAD v4.1: 11 of 1,607,818 alleles (0.00068%); highest among the groups gnomAD compares: Admixed American, 0.017%; no homozygotes.

Submission:

Labcorp Genetics (formerly Invitae), Labcorp
Classification: Uncertain significance. Last evaluated: 2024-01-15. Review status: criteria provided, single submitter. Criteria: Invitae Variant Classification Sherloc (09022015). Collection method: clinical testing. Allele origin: germline.
Comment: This sequence change replaces arginine, which is basic and polar, with cysteine, which is neutral and slightly polar, at codon 29 of the TMCO1 protein (p.Arg29Cys). This variant is present in population databases (rs771167297, gnomAD 0.02%). This variant has not been reported in the literature in individuals affected with TMCO1-related conditions. An algorithm developed to predict the effect of missense changes on protein structure and function (PolyPhen-2) suggests that this variant is likely to be disruptive. In summary, the available evidence is currently insufficient to determine the role of this variant in disease. Therefore, it has been classified as a Variant of Uncertain Significance.